The following is an entry in ClinVar:

ClinVar aggregate classification (germline): Likely benign (1 of 4 stars; one submission).

Conditions:
Tuberous sclerosis 1 (TSC1). Identifiers: Orphanet 805, MedGen C1854465, MONDO:0008612, OMIM 191100.

Submission:

Myriad Genetics, Inc.
Classification: Likely benign for Tuberous sclerosis 1. Last evaluated: 2025-04-09. Review status: criteria provided, single submitter. Criteria: Myriad Autosomal Dominant, Autosomal Recessive and X-Linked Classification Criteria (2023). Collection method: clinical testing. Allele origin: unknown.
Comment: This variant is considered likely benign. This variant is intronic and is not expected to impact mRNA splicing.

NM_000368.5(TSC1):c.1264-20A>T

Gene: TSC1 (TSC complex subunit 1; minus strand). Cytogenetic location: 9q34.13.
Variant type: single nucleotide variant.
Coding change: c.1264-20A>T on transcript NM_000368.5 (MANE Select); 20 bases into the intron before coding-DNA position 1264, A replaced by T.
Molecular consequence: intron variant.
Genome position (GRCh38, 1-based): chr9:132,907,390, T>A on the plus strand (A>T on the coding strand, the complement: TSC1 is on the minus strand). VCF-style: chr9-132907390-T-A. GRCh37 (hg19) VCF-style: chr9-135782777-T-A.
Other names: c.901-20A>T (NM_001406618.1, NM_001406617.1, NM_001406619.1 and 5 more transcripts); c.898-20A>T (NM_001406625.1, NM_001406621.1, NM_001406622.1 and 2 more transcripts); c.1108-20A>T (NM_001406613.1, NM_001406612.1, NM_001406611.1); c.1111-20A>T (NM_001406610.1, NM_001162427.2); c.310-20A>T (NM_001406627.1, NM_001406628.1); c.211-20A>T (NM_001406629.1, NM_001406630.1); c.1261-20A>T (NM_001406603.1, NM_001406609.1, NM_001406597.1 and 6 more transcripts); c.1264-20A>T (NM_001406602.1, NM_001406606.1, NM_001406592.1 and 7 more transcripts); and 1 more.
Identifiers: ClinVar variation 4071333 (VCV004071333.1).
Genomic context (GRCh38, chr9:132,907,390, plus strand): 5'-TGTCTGTGTAGACATGGTCTTGCAGAATCCATTCTCTCTTCCTGAAAAGATAAGTATCAT[T>A]TATATCACAAGACGAAAAATGTTGCACATGTTCTCGAGCATATTGTAAAGTAGTTTAAAG-3'